The following is an entry in ClinVar:

NM_001080.3(ALDH5A1):c.*2115C>T

Gene: ALDH5A1 (aldehyde dehydrogenase 5 family member A1; plus strand). Cytogenetic location: 6p22.3.
Variant type: single nucleotide variant.
Coding change: c.*2115C>T on transcript NM_001080.3 (MANE Select); 2115 bases downstream of the stop codon, C replaced by T.
Molecular consequence: 3 prime UTR variant.
Genome position (GRCh38, 1-based): chr6:24,535,827, C>T. VCF-style: chr6-24535827-C-T. GRCh37 (hg19) VCF-style: chr6-24536055-C-T.
Other names: c.*2115C>T (NM_001368954.1, NM_170740.1).
Identifiers: ClinVar variation 356179 (VCV000356179.5), dbSNP rs34809203, ClinGen allele CA10626526.

ClinVar aggregate classification (germline): Benign (1 of 4 stars; one submission).

Conditions:
Succinate-semialdehyde dehydrogenase deficiency (SSADHD). Also called: Succinic Semialdehyde Dehydrogenase Deficiency; 4-HYDROXYBUTYRIC ACIDURIA; GABA METABOLIC DEFECT; SSADH DEFICIENCY. Identifiers: Orphanet 22, MedGen C0268631, MONDO:0010083, OMIM 271980.

Allele frequency attached by ClinVar (database versions not stated): 1000 Genomes Project 30x 0.05247; 1000 Genomes Project 0.05431; gnomAD exomes 0.05556; TOPMed 0.06444; gnomAD 0.06931 and 0.07077.
gnomAD v4.1: 10,720 of 152,282 alleles (7%); highest among the groups gnomAD compares: Non-Finnish European, 9.2%; 461 homozygotes.

Submission:

Illumina Laboratory Services, Illumina
Classification: Benign for Succinate-semialdehyde dehydrogenase deficiency. Last evaluated: 2018-01-13. Review status: criteria provided, single submitter. Criteria: ICSL Variant Classification Criteria 13 December 2019. Collection method: clinical testing. Allele origin: germline.
Comment: This variant was observed in the ICSL laboratory as part of a predisposition screen in an ostensibly healthy population. It had not been previously curated by ICSL or reported in the Human Gene Mutation Database (HGMD: prior to June 1st, 2018), and was therefore a candidate for classification through an automated scoring system. Utilizing variant allele frequency, disease prevalence and penetrance estimates, and inheritance mode, an automated score was calculated to assess if this variant is too frequent to cause the disease. Based on the score and internal cut-off values, a variant classified as benign is not then subjected to further curation. The score for this variant resulted in a classification of benign for this disease.